The following is an entry in ClinVar:

ClinVar aggregate classification (germline): Uncertain significance (1 of 4 stars; one submission).

Conditions:
Breast-ovarian cancer, familial, susceptibility to, 4. Identifiers: Orphanet 145, MedGen C3280345, MONDO:0013669, OMIM 614291.

Submission:

Labcorp Genetics (formerly Invitae), Labcorp
Classification: Uncertain significance for Breast-ovarian cancer, familial, susceptibility to, 4. Last evaluated: 2024-04-15. Review status: criteria provided, single submitter. Criteria: Invitae Variant Classification Sherloc (09022015). Collection method: clinical testing. Allele origin: germline.
Comment: This sequence change replaces serine, which is neutral and polar, with phenylalanine, which is neutral and non-polar, at codon 196 of the RAD51D protein (p.Ser196Phe). This variant is not present in population databases (gnomAD no frequency). This variant has not been reported in the literature in individuals affected with RAD51D-related conditions. ClinVar contains an entry for this variant (Variation ID: 2095833). An algorithm developed to predict the effect of missense changes on protein structure and function (PolyPhen-2) suggests that this variant is likely to be tolerated. RNA analysis performed to evaluate the impact of this missense change on mRNA splicing indicates it does not significantly alter splicing (Invitae). In summary, the available evidence is currently insufficient to determine the role of this variant in disease. Therefore, it has been classified as a Variant of Uncertain Significance.

NM_002878.4(RAD51D):c.587C>T (p.Ser196Phe)

Genes: RAD51D (RAD51 paralog D; minus strand), RAD51L3-RFFL (RAD51L3-RFFL readthrough; minus strand). Cytogenetic location: 17q12.
Variant type: single nucleotide variant.
Coding change: c.587C>T on transcript NM_002878.4 (MANE Select); coding-DNA position 587, C replaced by T.
Protein change: p.Ser196Phe; replaces serine 196 with phenylalanine.
Molecular consequence: missense variant. On other transcripts: non-coding transcript variant (3).
Genome position (GRCh38, 1-based): chr17:35,103,534, G>A on the plus strand (C>T on the coding strand, the complement: RAD51D is on the minus strand). VCF-style: chr17-35103534-G-A. GRCh37 (hg19) VCF-style: chr17-33430553-G-A.
Other names: c.647C>T, p.Ser216Phe (NM_001142571.2); c.251C>T, p.Ser84Phe (NM_133629.3); short protein forms S196F, S84F, S216F.
Identifiers: ClinVar variation 2095833 (VCV002095833.4), dbSNP rs2142421076, ClinGen allele CA399087978.